The following is an entry in ClinVar:

ClinVar aggregate classification (germline): Uncertain significance (1 of 4 stars; one submission).

Conditions:
DICER1-related tumor predisposition. Also called: DICER1-related pleuropulmonary blastoma cancer predisposition syndrome; DICER1 syndrome. Identifiers: Orphanet 284343, MedGen C3839822, MONDO:0100216.

Submission:

Labcorp Genetics (formerly Invitae), Labcorp
Classification: Uncertain significance for DICER1-related tumor predisposition. Last evaluated: 2025-05-26. Review status: criteria provided, single submitter. Criteria: Invitae Variant Classification Sherloc (09022015). Collection method: clinical testing. Allele origin: germline.
Comment: This sequence change replaces glutamine, which is neutral and polar, with arginine, which is basic and polar, at codon 224 of the DICER1 protein (p.Gln224Arg). This variant is not present in population databases (gnomAD no frequency). This variant has not been reported in the literature in individuals affected with DICER1-related conditions. ClinVar contains an entry for this variant (Variation ID: 3706970). Invitae Evidence Modeling of protein sequence and biophysical properties (such as structural, functional, and spatial information, amino acid conservation, physicochemical variation, residue mobility, and thermodynamic stability) indicates that this missense variant is not expected to disrupt DICER1 protein function with a negative predictive value of 95%. In summary, the available evidence is currently insufficient to determine the role of this variant in disease. Therefore, it has been classified as a Variant of Uncertain Significance.

NM_177438.3(DICER1):c.671A>G (p.Gln224Arg)

Gene: DICER1 (dicer 1, ribonuclease III; minus strand). Cytogenetic location: 14q32.13.
Variant type: single nucleotide variant.
Coding change: c.671A>G on transcript NM_177438.3 (MANE Select); coding-DNA position 671, A replaced by G.
Protein change: p.Gln224Arg; replaces glutamine 224 with arginine.
Molecular consequence: missense variant. On other transcripts: 5 prime UTR variant (1), non-coding transcript variant (6).
Genome position (GRCh38, 1-based): chr14:95,129,535, T>C on the plus strand (A>G on the coding strand, the complement: DICER1 is on the minus strand). VCF-style: chr14-95129535-T-C. GRCh37 (hg19) VCF-style: chr14-95595872-T-C.
Other names: c.671A>G, p.Gln224Arg (NM_001195573.1, NM_001271282.3, NM_001291628.2 and 14 more transcripts); c.389A>G, p.Gln130Arg (NM_001395686.1); c.266A>G, p.Gln89Arg (NM_001395687.1, NM_001395688.1, NM_001395689.1 and 3 more transcripts); c.104A>G, p.Gln35Arg (NM_001395691.1); c.-898A>G (NM_001395697.1); short protein forms Q130R, Q35R, Q89R, Q224R.
Identifiers: ClinVar variation 3706970 (VCV003706970.2).